The following is an entry in ClinVar:

NM_016628.5(WAC):c.665C>A (p.Ser222Tyr)

Gene: WAC (WW domain containing adaptor with coiled-coil; plus strand). Cytogenetic location: 10p12.1.
Variant type: single nucleotide variant.
Coding change: c.665C>A on transcript NM_016628.5 (MANE Select); coding-DNA position 665, C replaced by A.
Protein change: p.Ser222Tyr; replaces serine 222 with tyrosine.
Molecular consequence: missense variant. On other transcripts: intron variant (1).
Genome position (GRCh38, 1-based): chr10:28,595,787, C>A. VCF-style: chr10-28595787-C-A. GRCh37 (hg19) VCF-style: chr10-28884716-C-A.
Other names: c.530C>A, p.Ser177Tyr (NM_100264.3); c.610+4955C>A (NM_100486.4); short protein forms S177Y, S222Y.
Identifiers: ClinVar variation 2438553 (VCV002438553.5), dbSNP rs917474848, ClinGen allele CA204584281.

ClinVar aggregate classification (germline): Uncertain significance. Review status: criteria provided, multiple submitters, no conflicts (2 of 4 stars). 3 submissions from 3 submitters: Uncertain significance (3). Last evaluated 2023-12-16.

Conditions:
WAC-related disorder. Also called: WAC-related condition.
DeSanto-Shinawi syndrome due to WAC point mutation (DESSH). Also called: Facial dysmorphism-developmental delay-behavioral abnormalities syndrome due to WAC point mutation; DEVELOPMENTAL DELAY, BEHAVIORAL ABNORMALITIES, FACIAL DYSMORPHISM, AND OCULAR ABNORMALITIES; WAC-Related Intellectual Disability. Identifiers: Orphanet 284169, Orphanet 466950, MedGen C5681129, MONDO:0014741, OMIM 616708.
Inborn genetic diseases. Identifiers: MedGen C0950123, MeSH D030342.

Allele frequency attached by ClinVar (database versions not stated): gnomAD 0.00001; gnomAD exomes 0.00001; TOPMed 0.00011.
gnomAD v4.1: 9 of 1,613,944 alleles (0.00056%); highest among the groups gnomAD compares: Admixed American, 0.012%; no homozygotes.

Submissions (3):

Ambry Genetics
Classification: Uncertain significance for Inborn genetic diseases. Last evaluated: 2023-12-16. Review status: criteria provided, single submitter. Criteria: Ambry Variant Classification Scheme 2023. Collection method: clinical testing. Allele origin: germline.

PreventionGenetics, part of Exact Sciences
Classification: Uncertain significance for WAC-related condition. Last evaluated: 2022-10-26. Review status: criteria provided, single submitter. Criteria: ACMG Guidelines, 2015. Collection method: clinical testing. Allele origin: germline.
Comment: The WAC c.665C>A variant is predicted to result in the amino acid substitution p.Ser222Tyr. To our knowledge, this variant has not been reported in the literature. This variant is reported in 0.0046% of alleles in individuals of European (Finnish) descent in gnomAD. At this time, the clinical significance of this variant is uncertain due to the absence of conclusive functional and genetic evidence.

Revvity Omics, Revvity
Classification: Uncertain significance for DeSanto-Shinawi syndrome due to WAC point mutation. Last evaluated: 2021-09-21. Review status: criteria provided, single submitter. Criteria: ACMG Guidelines, 2015. Collection method: clinical testing. Allele origin: germline.